The following is an entry in ClinVar:

ClinVar aggregate classification (germline): Benign/Likely benign. Review status: criteria provided, multiple submitters, no conflicts (2 of 4 stars). 4 submissions from 3 submitters: Benign (2); Likely benign (2). Last evaluated 2018-01-13.

Conditions:
Microphthalmia, isolated, with coloboma 3 (MCOPCB3). Also called: MICROPHTHALMIA/COLOBOMA 3; MICROPHTHALMIA, COLOBOMATOUS, 3. Identifiers: Orphanet 98938, MedGen C1864721, MONDO:0012408, OMIM 610092.
Isolated microphthalmia 2. Identifiers: Orphanet 2542, MedGen C1864720, MONDO:0012409, OMIM 610093.

Allele frequency attached by ClinVar (database versions not stated): ESP Exome Variant Server 0.01767; gnomAD 0.02245 and 0.02757; TOPMed 0.02486; 1000 Genomes Project 0.06270; gnomAD exomes 0.04826 and 0.03725; ExAC 0.07500; 1000 Genomes Project 30x 0.05559.
gnomAD v4.1: 55,986 of 1,546,528 alleles (3.6%); highest among the groups gnomAD compares: East Asian, 13%; 1,744 homozygotes.

Submissions (4):

Illumina Laboratory Services, Illumina
Classification: Likely benign for Microphthalmia, isolated, with coloboma 3. Last evaluated: 2018-01-13. Review status: criteria provided, single submitter. Criteria: ICSL Variant Classification Criteria 13 December 2019. Collection method: clinical testing. Allele origin: germline.
Comment: This variant was observed in the ICSL laboratory as part of a predisposition screen in an ostensibly healthy population. It had not been previously curated by ICSL or reported in the Human Gene Mutation Database (HGMD: prior to June 1st, 2018), and was therefore a candidate for classification through an automated scoring system. Utilizing variant allele frequency, disease prevalence and penetrance estimates, and inheritance mode, an automated score was calculated to assess if this variant is too frequent to cause the disease. Based on the score and internal cut-off values, a variant classified as likely benign is not then subjected to further curation. The score for this variant resulted in a classification of likely benign for this disease.

Illumina Laboratory Services, Illumina
Classification: Benign for Isolated microphthalmia 2. Last evaluated: 2018-01-13. Review status: criteria provided, single submitter. Criteria: ICSL Variant Classification Criteria 13 December 2019. Collection method: clinical testing. Allele origin: germline.
Comment: This variant was observed in the ICSL laboratory as part of a predisposition screen in an ostensibly healthy population. It had not been previously curated by ICSL or reported in the Human Gene Mutation Database (HGMD: prior to June 1st, 2018), and was therefore a candidate for classification through an automated scoring system. Utilizing variant allele frequency, disease prevalence and penetrance estimates, and inheritance mode, an automated score was calculated to assess if this variant is too frequent to cause the disease. Based on the score and internal cut-off values, a variant classified as benign is not then subjected to further curation. The score for this variant resulted in a classification of benign for this disease.

GeneDx
Classification: Benign. Last evaluated: 2015-03-03. Review status: criteria provided, single submitter. Criteria: GeneDx Variant Classification Process June 2021. Collection method: clinical testing. Allele origin: germline. Affected: yes.

Breakthrough Genomics
Classification: Likely benign. Review status: criteria provided, single submitter. Criteria: ACMG Guidelines, 2015. Collection method: not provided. Allele origin: germline. Inheritance: Autosomal recessive inheritance. Affected: yes.

NM_182894.3(VSX2):c.*39C>T

Gene: VSX2 (visual system homeobox 2; plus strand). Cytogenetic location: 14q24.3.
Variant type: single nucleotide variant.
Coding change: c.*39C>T on transcript NM_182894.3 (MANE Select); 39 bases downstream of the stop codon, C replaced by T.
Molecular consequence: 3 prime UTR variant.
Genome position (GRCh38, 1-based): chr14:74,260,958, C>T. VCF-style: chr14-74260958-C-T. GRCh37 (hg19) VCF-style: chr14-74727661-C-T.
Identifiers: ClinVar variation 314206 (VCV000314206.7), dbSNP rs117813701, ClinGen allele CA7266535.